The following is an entry in ClinVar:

NM_001042492.3(NF1):c.4107C>G (p.Tyr1369Ter)

Gene: NF1 (neurofibromin 1; plus strand). Cytogenetic location: 17q11.2.
Variant type: single nucleotide variant.
Coding change: c.4107C>G on transcript NM_001042492.3 (MANE Select); coding-DNA position 4107, C replaced by G.
Protein change: p.Tyr1369Ter; replaces tyrosine 1369 with a stop codon.
Molecular consequence: nonsense.
Genome position (GRCh38, 1-based): chr17:31,249,116, C>G. VCF-style: chr17-31249116-C-G. GRCh37 (hg19) VCF-style: chr17-29576134-C-G.
Other names: c.4107C>G, p.Tyr1369Ter (NM_000267.4); short protein forms Y1369*.
Identifiers: ClinVar variation 848486 (VCV000848486.7), dbSNP rs1597735272, ClinGen allele CA398995102.
Genomic context (GRCh38, chr17:31,249,116, plus strand): 5'-CATCATCAGTTCCTCCTCAGAATTCCCCCCTCAACTTCGAAGTGTGTGCCACTGTTTATA[C>G]CAGGTATGCTTACAGTTAGAGATTACCATTATTAATCTAAAGTTAAATTATGAAGAATGC-3'

ClinVar aggregate classification (germline): Pathogenic. Review status: criteria provided, multiple submitters, no conflicts (2 of 4 stars). 2 submissions from 2 submitters: Pathogenic (2). Last evaluated 2025-11-14.

Conditions:
Cardiovascular phenotype. Identifiers: MedGen CN230736.
Hereditary cancer-predisposing syndrome. Also called: Neoplastic Syndromes, Hereditary; Hereditary Cancer Syndrome; Hereditary neoplastic syndrome; Tumor predisposition. Identifiers: Orphanet 140162, MedGen C0027672, MeSH D009386, MONDO:0015356.
Neurofibromatosis, type 1 (NF1). Also called: Neurofibromatosis, type I; VON RECKLINGHAUSEN DISEASE; Peripheral type neurofibromatosis; NEUROFIBROMATOSIS, TYPE I, SOMATIC. Identifiers: Orphanet 636, MedGen C0027831, MONDO:0018975, OMIM 162200. Disease mechanism: loss of function.

Submissions (2):

Ambry Genetics
Classification: Pathogenic for Cardiovascular phenotype; Hereditary cancer-predisposing syndrome. Last evaluated: 2025-11-14. Review status: criteria provided, single submitter. Criteria: Ambry Variant Classification Scheme 2023. Collection method: clinical testing. Allele origin: germline.
Comment: The p.Y1369* pathogenic mutation (also known as c.4107C>G), located in coding exon 30 of the NF1 gene, results from a C to G substitution at nucleotide position 4107. This changes the amino acid from a tyrosine to a stop codon within coding exon 30. This variant is considered to be rare based on population cohorts in the Genome Aggregation Database (gnomAD). This alteration is expected to result in loss of function by premature protein truncation or nonsense-mediated mRNA decay. As such, this alteration is interpreted as a disease-causing mutation.

Labcorp Genetics (formerly Invitae), Labcorp
Classification: Pathogenic for Neurofibromatosis, type 1. Last evaluated: 2025-04-02. Review status: criteria provided, single submitter. Criteria: Invitae Variant Classification Sherloc (09022015). Collection method: clinical testing. Allele origin: germline.
Comment: This sequence change creates a premature translational stop signal (p.Tyr1369*) in the NF1 gene. It is expected to result in an absent or disrupted protein product. Loss-of-function variants in NF1 are known to be pathogenic (PMID: 10712197, 23913538). This variant is not present in population databases (gnomAD no frequency). This variant has not been reported in the literature in individuals affected with NF1-related conditions. ClinVar contains an entry for this variant (Variation ID: 848486). For these reasons, this variant has been classified as Pathogenic.

Literature cited by the submitters: PubMed 10712197 (cited by Labcorp Genetics (formerly Invitae), Labcorp); PubMed 23913538 (cited by Labcorp Genetics (formerly Invitae), Labcorp).